The following is an entry in ClinVar:

NM_006904.7(PRKDC):c.1384G>A (p.Val462Met)

Gene: PRKDC (protein kinase, DNA-activated, catalytic subunit; minus strand). Cytogenetic location: 8q11.21.
Variant type: single nucleotide variant.
Coding change: c.1384G>A on transcript NM_006904.7 (MANE Select); coding-DNA position 1384, G replaced by A.
Protein change: p.Val462Met; replaces valine 462 with methionine.
Molecular consequence: missense variant.
Genome position (GRCh38, 1-based): chr8:47,935,795, C>T on the plus strand (G>A on the coding strand, the complement: PRKDC is on the minus strand). VCF-style: chr8-47935795-C-T. GRCh37 (hg19) VCF-style: chr8-48848355-C-T.
Other names: c.1384G>A, p.Val462Met (NM_001081640.2); short protein forms V462M.
Identifiers: ClinVar variation 3225743 (VCV003225743.1), dbSNP rs2551879546, ClinGen allele CA371165790.
Genomic context (GRCh38, chr8:47,935,795, plus strand): 5'-CAGTACTAATGCAATTCCTGAGAACTGGCCCTTTTGCTGCCAAAGCTAGGAACACCTTCA[C>T]TATGGCTCTGCAACACACCAGCTGCATTTTTGGACTGTACTGTGGGAAACTGTCTATCTG-3'
Protein context (NP_008835.5, residues 452-472): KMQLVCCRAI[Val462Met]KVFLALAAKG

ClinVar aggregate classification (germline): Uncertain significance (1 of 4 stars; one submission).

Submission:

Ambry Genetics
Classification: Uncertain significance. Last evaluated: 2024-01-11. Review status: criteria provided, single submitter. Criteria: Ambry Variant Classification Scheme 2023. Collection method: clinical testing. Allele origin: germline.
Comment: The p.V462M variant (also known as c.1384G>A), located in coding exon 13 of the PRKDC gene, results from a G to A substitution at nucleotide position 1384. The valine at codon 462 is replaced by methionine, an amino acid with highly similar properties. This amino acid position is conserved. In addition, this alteration is predicted to be tolerated by in silico analysis. Since supporting evidence is limited at this time, the clinical significance of this alteration remains unclear.